The following is an entry in ClinVar:

ClinVar aggregate classification (germline): Uncertain significance. Review status: criteria provided, multiple submitters, no conflicts (2 of 4 stars). 2 submissions from 2 submitters: Uncertain significance (2). Last evaluated 2021-06-23.

Conditions:
Cardiovascular phenotype. Identifiers: MedGen CN230736.

Allele frequency attached by ClinVar (database versions not stated): gnomAD exomes below 0.00001.
gnomAD v4.1: 2 of 1,610,106 alleles (0.00012%); highest among the groups gnomAD compares: South Asian, 0.0022%; no homozygotes.

Submissions (2):

Ambry Genetics
Classification: Uncertain significance for Cardiovascular phenotype. Last evaluated: 2021-06-23. Review status: criteria provided, single submitter. Criteria: Ambry Variant Classification Scheme 2023. Collection method: clinical testing. Allele origin: germline.
Comment: The p.K9R variant (also known as c.26A>G), located in coding exon 1 of the PRKAG2 gene, results from an A to G substitution at nucleotide position 26. The lysine at codon 9 is replaced by arginine, an amino acid with highly similar properties. This amino acid position is conserved. In addition, this alteration is predicted to be tolerated by in silico analysis. Since supporting evidence is limited at this time, the clinical significance of this alteration remains unclear.

GeneDx
Classification: Uncertain significance. Last evaluated: 2021-04-22. Review status: criteria provided, single submitter. Criteria: GeneDx Variant Classification Process June 2021. Collection method: clinical testing. Allele origin: germline. Affected: yes.
Comment: Not observed at a significant frequency in large population cohorts (Lek et al., 2016); In silico analysis supports that this missense variant does not alter protein structure/function; Has not been previously published as pathogenic or benign to our knowledge

NM_016203.4(PRKAG2):c.26A>G (p.Lys9Arg)

Gene: PRKAG2 (protein kinase AMP-activated non-catalytic subunit gamma 2; minus strand). Cytogenetic location: 7q36.1.
Variant type: single nucleotide variant.
Coding change: c.26A>G on transcript NM_016203.4 (MANE Select); coding-DNA position 26, A replaced by G.
Protein change: p.Lys9Arg; replaces lysine 9 with arginine.
Molecular consequence: missense variant.
Genome position (GRCh38, 1-based): chr7:151,876,595, T>C on the plus strand (A>G on the coding strand, the complement: PRKAG2 is on the minus strand). VCF-style: chr7-151876595-T-C. GRCh37 (hg19) VCF-style: chr7-151573680-T-C.
Other names: short protein forms K9R.
Identifiers: ClinVar variation 1304509 (VCV001304509.4), dbSNP rs574029693, ClinGen allele CA370072025.
Genomic context (GRCh38, chr7:151,876,595, plus strand): 5'-TTCTGGCTGGCATTTTTCTTGCCGCCGCTCCCGCCGGGGCTGGAAACATCTTTTTTCTTC[T>C]TGGTGTCCATAACCGCGCTTCCCATAACTCTAACCAGAAGTTGATTCTGCGAAACTCCTC-3'
Protein context (NP_057287.2, residues 1-19): MGSAVMDT[Lys9Arg]KKKDVSSPGG